The following is an entry in ClinVar:

NM_001111125.3(IQSEC2):c.850C>A (p.Pro284Thr)

Gene: IQSEC2 (IQ motif and Sec7 domain ArfGEF 2; minus strand). Cytogenetic location: Xp11.22.
Variant type: single nucleotide variant.
Coding change: c.850C>A on transcript NM_001111125.3 (MANE Select); coding-DNA position 850, C replaced by A.
Protein change: p.Pro284Thr; replaces proline 284 with threonine.
Molecular consequence: missense variant.
Genome position (GRCh38, 1-based): chrX:53,255,949, G>T on the plus strand (C>A on the coding strand, the complement: IQSEC2 is on the minus strand). VCF-style: chrX-53255949-G-T. GRCh37 (hg19) VCF-style: chrX-53285131-G-T.
Other names: c.235C>A, p.Pro79Thr (NM_015075.2); short protein forms P284T, P79T.
Identifiers: ClinVar variation 1477730 (VCV001477730.9), dbSNP rs782531514, ClinGen allele CA10420134.

ClinVar aggregate classification (germline): Uncertain significance. Review status: criteria provided, multiple submitters, no conflicts (2 of 4 stars). 2 submissions from 2 submitters: Uncertain significance (2). Last evaluated 2022-03-02.

Conditions:
Intellectual developmental disorder, X-linked 1. Also called: Intellectual disability, X-linked 1; Atkin Flaitz Patil Smith syndrome; MENTAL RETARDATION, X-LINKED 18; MENTAL RETARDATION, X-LINKED 78. Identifiers: Orphanet 777, MedGen C2931498, MONDO:0010656, OMIM 309530.

Allele frequency attached by ClinVar (database versions not stated): gnomAD exomes below 0.00001.
gnomAD v4.1: 3 of 1,198,689 alleles (0.00025%); highest among the groups gnomAD compares: South Asian, 0.0054%; no homozygotes.

Submissions (2):

GeneDx
Classification: Uncertain significance. Last evaluated: 2022-03-02. Review status: criteria provided, single submitter. Criteria: GeneDx Variant Classification Process June 2021. Collection method: clinical testing. Allele origin: germline. Affected: yes.
Comment: In silico analysis supports that this missense variant does not alter protein structure/function; Has not been previously published as pathogenic or benign to our knowledge

Labcorp Genetics (formerly Invitae), Labcorp
Classification: Uncertain significance for Intellectual developmental disorder, X-linked 1. Last evaluated: 2021-03-30. Review status: criteria provided, single submitter. Criteria: Invitae Variant Classification Sherloc (09022015). Collection method: clinical testing. Allele origin: germline.
Comment: Advanced modeling of protein sequence and biophysical properties (such as structural, functional, and spatial information, amino acid conservation, physicochemical variation, residue mobility, and thermodynamic stability) performed at Invitae indicates that this missense variant is not expected to disrupt IQSEC2 protein function. This variant has been observed in individual(s) with clinical features of IQSEC2-related conditions (Invitae). The frequency data for this variant in the population databases is considered unreliable, as metrics indicate poor data quality at this position in the ExAC database. This sequence change replaces proline with threonine at codon 284 of the IQSEC2 protein (p.Pro284Thr). The proline residue is weakly conserved and there is a small physicochemical difference between proline and threonine. In summary, the available evidence is currently insufficient to determine the role of this variant in disease. Therefore, it has been classified as a Variant of Uncertain Significance.